The following is an entry in ClinVar:

ClinVar aggregate classification (germline): Uncertain significance. Review status: criteria provided, multiple submitters, no conflicts (2 of 4 stars). 3 submissions from 3 submitters: Uncertain significance (3). Last evaluated 2025-01-06.

Conditions:
Inborn genetic diseases. Identifiers: MedGen C0950123, MeSH D030342.
Glaucoma 3, primary infantile, B. Also called: GLAUCOMA, PRIMARY CONGENITAL, TYPE B; GLC3B; GLC3 type B; Primary congenital glaucoma type 3B; Glaucoma primary congenita type 3B. Identifiers: Orphanet 98976, MedGen C1832977, MONDO:0010968, OMIM 600975.
Weill-Marchesani syndrome 3 (WMS3). Also called: Weill-Marchesani syndrome 3, recessive; LTBP2-Related Weill-Marchesani Syndrome. Identifiers: Orphanet 3449, MedGen C3553785, MONDO:0013899, OMIM 614819.
Glaucoma 3, primary congenital, D. Identifiers: Orphanet 98976, MedGen C2751316, MONDO:0013122, OMIM 613086.
Microspherophakia and/or megalocornea, with ectopia lentis and with or without secondary glaucoma (MSPKA). Identifiers: Orphanet 238763, MedGen C3538951, MONDO:0009633, OMIM 251750.

Allele frequency attached by ClinVar (database versions not stated): ExAC 0.00012; ESP Exome Variant Server 0.00015; gnomAD exomes 0.00016 and 0.00025; 1000 Genomes Project 30x 0.00031; gnomAD 0.00036; 1000 Genomes Project 0.00040; TOPMed 0.00053.
gnomAD v4.1: 434 of 1,614,174 alleles (0.027%); highest among the groups gnomAD compares: Admixed American, 0.092%; no homozygotes.

Submissions (3):

Labcorp Genetics (formerly Invitae), Labcorp
Classification: Uncertain significance. Last evaluated: 2025-01-06. Review status: criteria provided, single submitter. Criteria: Invitae Variant Classification Sherloc (09022015). Collection method: clinical testing. Allele origin: germline.
Comment: This sequence change replaces alanine, which is neutral and non-polar, with threonine, which is neutral and polar, at codon 920 of the LTBP2 protein (p.Ala920Thr). This variant is present in population databases (rs137914200, gnomAD 0.03%). This variant has not been reported in the literature in individuals affected with LTBP2-related conditions. ClinVar contains an entry for this variant (Variation ID: 1427437). An algorithm developed to predict the effect of missense changes on protein structure and function outputs the following: PolyPhen-2: "Benign". The threonine amino acid residue is found in multiple mammalian species, which suggests that this missense change does not adversely affect protein function. In summary, the available evidence is currently insufficient to determine the role of this variant in disease. Therefore, it has been classified as a Variant of Uncertain Significance.

Ambry Genetics
Classification: Uncertain significance for Inborn genetic diseases. Last evaluated: 2024-11-24. Review status: criteria provided, single submitter. Criteria: Ambry Variant Classification Scheme 2023. Collection method: clinical testing. Allele origin: germline.

Fulgent Genetics
Classification: Uncertain significance for Microspherophakia and/or megalocornea, with ectopia lentis and with or without secondary glaucoma; Glaucoma 3, primary infantile, B; Glaucoma 3, primary congenital, D; Weill-Marchesani syndrome 3. Last evaluated: 2021-10-01. Review status: criteria provided, single submitter. Criteria: ACMG Guidelines, 2015. Collection method: clinical testing. Allele origin: unknown.

NM_000428.3(LTBP2):c.2758G>A (p.Ala920Thr)

Gene: LTBP2 (latent transforming growth factor beta binding protein 2; minus strand). Cytogenetic location: 14q24.3.
Variant type: single nucleotide variant.
Coding change: c.2758G>A on transcript NM_000428.3 (MANE Select); coding-DNA position 2758, G replaced by A.
Protein change: p.Ala920Thr; replaces alanine 920 with threonine.
Molecular consequence: missense variant.
Genome position (GRCh38, 1-based): chr14:74,521,941, C>T on the plus strand (G>A on the coding strand, the complement: LTBP2 is on the minus strand). VCF-style: chr14-74521941-C-T. GRCh37 (hg19) VCF-style: chr14-74988644-C-T.
Other names: c.2758G>A (NM_000428.2); short protein forms A920T.
Identifiers: ClinVar variation 1427437 (VCV001427437.7), dbSNP rs137914200, ClinGen allele CA7269398.
Genomic context (GRCh38, chr14:74,521,941, plus strand): 5'-TGGCCAAGGGCAAGGGCGGGCTTGGCTTACCTTGACACTCCTGTGTCGCCCCTGAGGTGG[C>T]CAGAGTGTAGCCAGGGTAGCAGAAGCAGGAGTAGGACCCCACGCGGTTGATGCAGCGCCC-3'
Protein context (NP_000419.1, residues 910-930): SCFCYPGYTL[Ala920Thr]TSGATQECQD